The following is an entry in ClinVar:

NM_001372066.1(TFAP2A):c.94C>T (p.Gln32Ter)

Gene: TFAP2A (transcription factor AP-2 alpha; minus strand). Cytogenetic location: 6p24.3.
Variant type: single nucleotide variant.
Coding change: c.94C>T on transcript NM_001372066.1 (MANE Select); coding-DNA position 94, C replaced by T.
Protein change: p.Gln32Ter; replaces glutamine 32 with a stop codon.
Molecular consequence: nonsense.
Genome position (GRCh38, 1-based): chr6:10,410,293, G>A on the plus strand (C>T on the coding strand, the complement: TFAP2A is on the minus strand). VCF-style: chr6-10410293-G-A. GRCh37 (hg19) VCF-style: chr6-10410526-G-A.
Other names: NM_003220.2:c.88C>T; c.70C>T, p.Gln24Ter (NM_001032280.3); c.76C>T, p.Gln26Ter (NM_001042425.3); short protein forms Q24*, Q26*, Q32*.
Identifiers: ClinVar variation 1028093 (VCV001028093.2), dbSNP rs1757903817, ClinGen allele CA362705338.

ClinVar aggregate classification (germline): Likely pathogenic. Review status: criteria provided, multiple submitters, no conflicts (2 of 4 stars). 2 submissions from 2 submitters: Likely pathogenic (2). Last evaluated 2024-01-01.

Conditions:
Branchiooculofacial syndrome (BOFS). Also called: BOF SYNDROME; Branchio-Oculo-Facial Syndrome; HEMANGIOMATOUS BRANCHIAL CLEFTS-LIP PSEUDOCLEFT SYNDROME; LIP PSEUDOCLEFT-HEMANGIOMATOUS BRANCHIAL CYST SYNDROME. Identifiers: Orphanet 1297, MedGen C0376524, MeSH D019280, MONDO:0007235, OMIM 113620.

Submissions (2):

Daryl Scott Lab, Baylor College of Medicine
Classification: Likely pathogenic for Branchiooculofacial syndrome. Last evaluated: 2024-01-01. Review status: criteria provided, single submitter. Criteria: ACMG Guidelines, 2015. Collection method: clinical testing. Allele origin: unknown. Affected: yes. Observed: 1 heterozygote.
Comment: PVS1, PM2

Baylor Genetics
Classification: Likely pathogenic for Branchiooculofacial syndrome. Last evaluated: 2019-02-07. Review status: criteria provided, single submitter. Criteria: ACMG Guidelines, 2015. Collection method: clinical testing. Allele origin: unknown. Affected: yes.
Comment: This variant was determined to be likely pathogenic according to ACMG Guidelines, 2015 [PMID:25741868].